The following is an entry in ClinVar:

ClinVar aggregate classification (germline): Uncertain significance (1 of 4 stars; one submission).

Submission:

Labcorp Genetics (formerly Invitae), Labcorp
Classification: Uncertain significance. Last evaluated: 2022-12-18. Review status: criteria provided, single submitter. Criteria: Invitae Variant Classification Sherloc (09022015). Collection method: clinical testing. Allele origin: germline.
Comment: In summary, the available evidence is currently insufficient to determine the role of this variant in disease. Therefore, it has been classified as a Variant of Uncertain Significance. Variants that disrupt the consensus splice site are a relatively common cause of aberrant splicing (PMID: 17576681, 9536098). Algorithms developed to predict the effect of sequence changes on RNA splicing suggest that this variant is not likely to affect RNA splicing. This variant has not been reported in the literature in individuals affected with KIF20A-related conditions. This variant is present in population databases (rs762575122, gnomAD 0.0009%). This sequence change falls in intron 6 of the KIF20A gene. It does not directly change the encoded amino acid sequence of the KIF20A protein. It affects a nucleotide within the consensus splice site.

Literature cited by the submitters: PubMed 17576681; PubMed 9536098.

NM_005733.3(KIF20A):c.702+4_702+8del

Gene: KIF20A (kinesin family member 20A; plus strand). Cytogenetic location: 5q31.2.
Variant type: Deletion.
Coding change: c.702+4_702+8del on transcript NM_005733.3 (MANE Select); bases 4 to 8 of the intron after coding-DNA position 702, 5 bases deleted (AAGCA; older notation c.702+4_702+8delAAGCA).
Molecular consequence: intron variant.
Genome position (GRCh38, 1-based): chr5:138,182,777-138,182,781, AAGCA deleted; deleting any 5 consecutive bases within chr5:138,182,776-138,182,781 gives the same sequence; the c. name uses the placement nearest the transcript's 3' end. VCF-style (leftmost placement, unchanged base first): chr5-138182775-TAAAGC-T. GRCh37 (hg19) VCF-style: chr5-137518464-TAAAGC-T.
Identifiers: ClinVar variation 2787662 (VCV002787662.3), dbSNP rs762575122, ClinGen allele CA3426364.